The following is an entry in ClinVar:

ClinVar aggregate classification (germline): Uncertain significance. Review status: criteria provided, multiple submitters, no conflicts (2 of 4 stars). 4 submissions from 4 submitters: Uncertain significance (4). Last evaluated 2025-11-24.

Conditions:
Wilms tumor 1 (WT1). Also called: Wilms tumor, somatic. Identifiers: Orphanet 654, MedGen CN033288, MONDO:0008679, OMIM 194070.
Drash syndrome (DDS). Also called: NEPHROPATHY, WILMS TUMOR, AND GENITAL ANOMALIES; WILMS TUMOR AND PSEUDO- OR TRUE HERMAPHRODITISM. Identifiers: Orphanet 220, MedGen C0950121, MONDO:0008682, OMIM 194080.
11p partial monosomy syndrome (WAGR). Also called: WAGR Spectrum Disorder; CHROMOSOME 11p13 DELETION SYNDROME; WAGR syndrome; WAGR Complex. Identifiers: Orphanet 893, MedGen C0206115, MONDO:0008681, OMIM 194072.
Frasier syndrome. Identifiers: Orphanet 347, MedGen C0950122, MeSH D052159, MONDO:0007635, OMIM 136680.
Inborn genetic diseases. Identifiers: MedGen C0950123, MeSH D030342.
Aniridia 1 (AN1). Identifiers: Orphanet 250923, MedGen C0344542, MONDO:0024507, OMIM 106210.
Meacham syndrome. Also called: Meacham Winn Culler syndrome. Identifiers: Orphanet 3097, MedGen C1837026, MONDO:0012164, OMIM 608978.
Nephrotic syndrome, type 4 (NPHS4). Also called: Familial mesangial sclerosis; Nephrotic syndrome, early onset with diffuse mesangial sclerosis. Identifiers: Orphanet 656, MedGen C3151568, MONDO:0009733, OMIM 256370.
Mesothelioma, malignant (MESOM). Also called: Malignant mesothelioma (disease). Identifiers: Orphanet 50251, MedGen C0345967, MONDO:0006292, OMIM 156240, HP:0100001.

Submissions (4):

Labcorp Genetics (formerly Invitae), Labcorp
Classification: Uncertain significance for Wilms tumor 1; Drash syndrome; 11p partial monosomy syndrome; Frasier syndrome. Last evaluated: 2025-11-24. Review status: criteria provided, single submitter. Criteria: Invitae Variant Classification Sherloc (09022015). Collection method: clinical testing. Allele origin: germline.
Comment: This sequence change replaces phenylalanine, which is neutral and non-polar, with cysteine, which is neutral and slightly polar, at codon 244 of the WT1 protein (p.Phe244Cys). This variant is not present in population databases (gnomAD no frequency). This variant has not been reported in the literature in individuals affected with WT1-related conditions. ClinVar contains an entry for this variant (Variation ID: 476718). Invitae Evidence Modeling of protein sequence and biophysical properties (such as structural, functional, and spatial information, amino acid conservation, physicochemical variation, residue mobility, and thermodynamic stability) indicates that this missense variant is expected to disrupt WT1 protein function with a positive predictive value of 80%. In summary, the available evidence is currently insufficient to determine the role of this variant in disease. Therefore, it has been classified as a Variant of Uncertain Significance.

GeneDx
Classification: Uncertain significance. Last evaluated: 2025-05-13. Review status: criteria provided, single submitter. Criteria: GeneDx Variant Classification Process June 2021. Collection method: clinical testing. Allele origin: germline. Affected: yes.
Comment: Not observed at significant frequency in large population cohorts (gnomAD); In silico analysis supports that this missense variant has a deleterious effect on protein structure/function; Has not been previously published as pathogenic or benign to our knowledge; This variant is associated with the following publications: (PMID: 8486616)

Ambry Genetics
Classification: Uncertain significance for Inborn genetic diseases. Last evaluated: 2025-01-06. Review status: criteria provided, single submitter. Criteria: Ambry Variant Classification Scheme 2023. Collection method: clinical testing. Allele origin: germline.
Comment: The p.F244C variant (also known as c.731T>G), located in coding exon 2 of the WT1 gene, results from a T to G substitution at nucleotide position 731. The phenylalanine at codon 244 is replaced by cysteine, an amino acid with highly dissimilar properties. This amino acid position is conserved. In addition, this alteration is predicted to be deleterious by in silico analysis. Based on the available evidence, the clinical significance of this variant remains unclear.

Fulgent Genetics
Classification: Uncertain significance for Aniridia 1; Frasier syndrome; Mesothelioma, malignant; Wilms tumor 1; 11p partial monosomy syndrome; Drash syndrome; Nephrotic syndrome, type 4; Meacham syndrome. Last evaluated: 2022-03-04. Review status: criteria provided, single submitter. Criteria: ACMG Guidelines, 2015. Collection method: clinical testing. Allele origin: unknown.

NM_024426.6(WT1):c.746T>G (p.Phe249Cys)

Gene: WT1 (WT1 transcription factor; minus strand). Cytogenetic location: 11p13.
Variant type: single nucleotide variant.
Coding change: c.746T>G on transcript NM_024426.6 (MANE Select); coding-DNA position 746, T replaced by G.
Protein change: p.Phe249Cys; replaces phenylalanine 249 with cysteine.
Molecular consequence: missense variant. On other transcripts: non-coding transcript variant (1).
Genome position (GRCh38, 1-based): chr11:32,428,535, A>C on the plus strand (T>G on the coding strand, the complement: WT1 is on the minus strand). VCF-style: chr11-32428535-A-C. GRCh37 (hg19) VCF-style: chr11-32450081-A-C.
Other names: c.746T>G, p.Phe249Cys (NM_000378.6, NM_001407044.1, NM_001407045.1 and 4 more transcripts); c.95T>G, p.Phe32Cys (NM_001198551.2, NM_001198552.2); c.-17T>G (NM_001407051.1); c.731T>G, p.Phe244Cys (NM_024425.2); short protein forms F32C, F249C.
Identifiers: ClinVar variation 476718 (VCV000476718.16), dbSNP rs777119782, ClinGen allele CA379963334.